The following is an entry in ClinVar:

ClinVar aggregate classification (germline): Uncertain significance (1 of 4 stars; one submission).

Submission:

Labcorp Genetics (formerly Invitae), Labcorp
Classification: Uncertain significance. Last evaluated: 2025-06-04. Review status: criteria provided, single submitter. Criteria: Invitae Variant Classification Sherloc (09022015). Collection method: clinical testing. Allele origin: germline.
Comment: This sequence change replaces glycine, which is neutral and non-polar, with arginine, which is basic and polar, at codon 74 of the NDUFA9 protein (p.Gly74Arg). This variant also falls at the last nucleotide of exon 2, which is part of the consensus splice site for this exon. This variant is not present in population databases (gnomAD no frequency). This variant has not been reported in the literature in individuals affected with NDUFA9-related conditions. An algorithm developed to predict the effect of missense changes on protein structure and function (PolyPhen-2) suggests that this variant is likely to be disruptive. Variants that disrupt the consensus splice site are a relatively common cause of aberrant splicing (PMID: 17576681, 9536098). In summary, the available evidence is currently insufficient to determine the role of this variant in disease. Therefore, it has been classified as a Variant of Uncertain Significance.

Literature cited by the submitters: PubMed 17576681; PubMed 9536098.

NM_005002.5(NDUFA9):c.220G>A (p.Gly74Arg)

Gene: NDUFA9 (NADH:ubiquinone oxidoreductase subunit A9; plus strand). Cytogenetic location: 12p13.32.
Variant type: single nucleotide variant.
Coding change: c.220G>A on transcript NM_005002.5 (MANE Select); coding-DNA position 220, G replaced by A.
Protein change: p.Gly74Arg; replaces glycine 74 with arginine.
Molecular consequence: missense variant.
Genome position (GRCh38, 1-based): chr12:4,654,462, G>A. VCF-style: chr12-4654462-G-A. GRCh37 (hg19) VCF-style: chr12-4763628-G-A.
Other names: short protein forms G74R.
Identifiers: ClinVar variation 4720806 (VCV004720806.1).